The following is an entry in ClinVar:

NM_001033855.3(DCLRE1C):c.465-1_469del

Gene: DCLRE1C (DNA cross-link repair 1C; minus strand). Cytogenetic location: 10p13.
Variant type: Deletion.
Coding change: c.465-1_469del on transcript NM_001033855.3 (MANE Select); the canonical splice acceptor site of the intron before coding-DNA position 465 through coding-DNA position 469, 6 bases deleted (GAGTCA; older notation c.465-1_469delGAGTCA).
Molecular consequence: splice acceptor variant.
Genome position (GRCh38, 1-based): chr10:14,934,771-14,934,776, TGACTC deleted on the plus strand (GAGTCA on the coding strand, the reverse complement: DCLRE1C is on the minus strand); deleting any 6 consecutive bases within chr10:14,934,771-14,934,779 gives the same sequence; the c. name uses the placement nearest the transcript's 3' end. VCF-style (leftmost placement, unchanged base first): chr10-14934770-TTGACTC-T. GRCh37 (hg19) VCF-style: chr10-14976769-TTGACTC-T.
Other names: c.120-1_124del (NM_001350966.2, NM_001289078.2, NM_001289076.2 and 1 more transcripts); c.465-1_469del (NM_001350965.2); c.105-1_109del (NM_001350967.2, NM_001289077.2, NM_001289079.2 and 2 more transcripts).
Identifiers: ClinVar variation 4814554 (VCV004814554.1).

ClinVar aggregate classification (germline): Likely pathogenic (1 of 4 stars; one submission).

Conditions:
Athabaskan severe combined immunodeficiency (SCIDA). Also called: Severe combined immunodeficiency, athabascan-type. Identifiers: MedGen C1865370.

Submission:

Natera, Inc.
Classification: Likely pathogenic for Athabascan severe combined immunodeficiency. Last evaluated: 2024-05-29. Review status: criteria provided, single submitter. Criteria: Natera Variant Classification Schema (03/2026). Collection method: clinical testing. Allele origin: germline.
Comment: The c.465-1_469del variant in DCLRE1C is a canonical splice acceptor site variant predicted to affect pre-mRNA splicing, which may result in an abnormal transcript and altered protein product. This variant is expected to result in nonsense mediated decay, truncation, or a dysfunctional protein product. This variant is rare in the general population with a frequency below the threshold expected for the associated phenotype(s). Given the available evidence, this variant is classified as Likely Pathogenic.